The following is an entry in ClinVar:

NM_002906.4(RDX):c.1568G>A (p.Arg523His)

Gene: RDX (radixin; minus strand). Cytogenetic location: 11q22.3.
Variant type: single nucleotide variant.
Coding change: c.1568G>A on transcript NM_002906.4 (MANE Select); coding-DNA position 1568, G replaced by A.
Protein change: p.Arg523His; replaces arginine 523 with histidine.
Molecular consequence: missense variant. On other transcripts: intron variant (1).
Genome position (GRCh38, 1-based): chr11:110,233,256, C>T on the plus strand (G>A on the coding strand, the complement: RDX is on the minus strand). VCF-style: chr11-110233256-C-T. GRCh37 (hg19) VCF-style: chr11-110103981-C-T.
Other names: c.1568G>A, p.Arg523His (NM_001260492.2, NM_001260493.2); c.1160G>A, p.Arg387His (NM_001260494.2); c.527G>A, p.Arg176His (NM_001260495.2); c.405-1252G>A (NM_001260496.2); short protein forms R176H, R387H, R523H.
Identifiers: ClinVar variation 1703468 (VCV001703468.3), dbSNP rs374217847, ClinGen allele CA6269949.

ClinVar aggregate classification (germline): Uncertain significance. Review status: criteria provided, multiple submitters, no conflicts (2 of 4 stars). 2 submissions from 2 submitters: Uncertain significance (2). Last evaluated 2025-09-22.

Conditions:
Inborn genetic diseases. Identifiers: MedGen C0950123, MeSH D030342.

Allele frequency attached by ClinVar (database versions not stated): ESP Exome Variant Server 0.00008.
gnomAD v4.1: 15 of 1,613,202 alleles (0.00093%); highest among the groups gnomAD compares: African/African-American, 0.0053%; no homozygotes.

Submissions (2):

Ambry Genetics
Classification: Uncertain significance for Inborn genetic diseases. Last evaluated: 2025-09-22. Review status: criteria provided, single submitter. Criteria: Ambry Variant Classification Scheme 2023. Collection method: clinical testing. Allele origin: germline.

GeneDx
Classification: Uncertain significance. Last evaluated: 2022-02-24. Review status: criteria provided, single submitter. Criteria: GeneDx Variant Classification Process June 2021. Collection method: clinical testing. Allele origin: germline. Affected: yes.
Comment: In silico analysis supports that this missense variant has a deleterious effect on protein structure/function; Has not been previously published as pathogenic or benign to our knowledge